The following is an entry in ClinVar:

NM_000283.4(PDE6B):c.274T>C (p.Cys92Arg)

Gene: PDE6B (phosphodiesterase 6B; plus strand). Cytogenetic location: 4p16.3.
Variant type: single nucleotide variant.
Coding change: c.274T>C on transcript NM_000283.4 (MANE Select); coding-DNA position 274, T replaced by C.
Protein change: p.Cys92Arg; replaces cysteine 92 with arginine.
Molecular consequence: missense variant.
Genome position (GRCh38, 1-based): chr4:625,900, T>C. VCF-style: chr4-625900-T-C. GRCh37 (hg19) VCF-style: chr4-619689-T-C.
Other names: c.274T>C, p.Cys92Arg (NM_001145291.2); short protein forms C92R.
Identifiers: ClinVar variation 3776065 (VCV003776065.1).
Genomic context (GRCh38, chr4:625,900, plus strand): 5'-ATGGAGCGCGTGGTCTTCAAGGTCCTGCGGCGCCTCTGCACCCTCCTGCAGGCCGACCGC[T>C]GCAGCCTCTTCATGTACCGCCAGCGCAACGGCGTGGCCGAGCTGGCCACCAGGCTTTTCA-3'
Protein context (NP_000274.3, residues 82-102): RLCTLLQADR[Cys92Arg]SLFMYRQRNG

ClinVar aggregate classification (germline): Uncertain significance (1 of 4 stars; one submission).

Conditions:
Retinitis pigmentosa 40 (RP40). Identifiers: Orphanet 791, MedGen C3151107, MONDO:0013429, OMIM 613801.

Submission:

3billion
Classification: Uncertain significance for Retinitis pigmentosa 40. Last evaluated: 2023-12-05. Review status: criteria provided, single submitter. Criteria: ACMG Guidelines, 2015. Collection method: clinical testing. Allele origin: germline. Affected: yes.
Comment: The variant is not observed in the gnomAD v2.1.1 dataset. Predicted Consequence/Location: Missense variant In silico tool predictions suggest damaging effect of the variant on gene or gene product [REVEL: 0.62 (>=0.6, sensitivity 0.68 and specificity 0.92); 3Cnet: 0.87 (>=0.6, sensitivity 0.72 and precision 0.9)]. Therefore, this variant is classified as VUS according to the recommendation of ACMG/AMP guideline.